The following is an entry in ClinVar:

ClinVar aggregate classification (germline): Pathogenic. Review status: criteria provided, multiple submitters, no conflicts (2 of 4 stars). 16 submissions from 16 submitters: Pathogenic (13). 3 of the submissions do not count toward it. Last evaluated 2025-06-09.

Conditions:
Sandhoff disease. Also called: GM2-GANGLIOSIDOSIS, TYPE II; HEXOSAMINIDASES A AND B DEFICIENCY; Beta-hexosaminidase-beta-subunit deficiency; GM2 gangliosidosis, type 2; Total hexosaminidase deficiency; Sandhoff-Jatzkewitz-Pilz disease. Identifiers: Orphanet 796, MedGen C0036161, MONDO:0010006, OMIM 268800.
Sandhoff disease, infantile form. Also called: Acute Infantile Sandhoff Disease; Sandhoff disease, infantile type. Identifiers: Orphanet 309155, MedGen C0751490, MONDO:0017721.

Allele frequency attached by ClinVar (database versions not stated): ExAC 0.00002; gnomAD exomes 0.00004 and 0.00003; gnomAD 0.00001; TOPMed 0.00002.
gnomAD v4.1: 60 of 1,613,086 alleles (0.0037%); highest among the groups gnomAD compares: South Asian, 0.021%; no homozygotes.

Submissions 1 to 11 of 16:

Natera, Inc.
Classification: Pathogenic for Sandhoff disease. Last evaluated: 2025-06-09. Review status: criteria provided, single submitter. Criteria: Natera Variant Classification Schema (03/2026). Collection method: clinical testing. Allele origin: germline.
Comment: The c.850C>T variant in HEXB is a nonsense variant predicted to introduce a stop codon at amino acid 284. This variant is expected to result in nonsense mediated decay, truncation, or a dysfunctional protein product. This variant is rare in the general population with a frequency below the threshold expected for the associated phenotype(s). This variant has been observed in one or more individuals affected with the associated recessive disease, as either homozygous or compound heterozygous with a second variant (PMID: 24613245, 18758829). Given the available evidence, this variant is classified as Pathogenic.

3billion
Classification: Pathogenic for Sandhoff disease. Last evaluated: 2025-06-03. Review status: criteria provided, single submitter. Criteria: ACMG Guidelines, 2015. Collection method: clinical testing. Allele origin: germline. Affected: yes.
Comment: The variant is observed at an extremely low frequency in the gnomAD v4.1.0 dataset (total allele frequency: 0.004%). Predicted Consequence/Location: Stop-gained (nonsense): predicted to result in a loss or disruption of normal protein function through nonsense-mediated decay (NMD) or protein truncation. Multiple pathogenic variants are reported downstream of the variant. The variant has been reported at least twice as pathogenic with clinical assertions and evidence for the classification (ClinVar ID: VCV000003887 /PMID: 8162015 /3billion dataset). Therefore, this variant is classified as Pathogenic according to the recommendation of ACMG/AMP guideline.

ARUP Laboratories, Molecular Genetics and Genomics, ARUP Laboratories
Classification: Pathogenic for Sandhoff disease. Last evaluated: 2024-08-23. Review status: criteria provided, single submitter. Criteria: ARUP Molecular Germline Variant Investigation Process 2024. Collection method: clinical testing. Allele origin: germline.
Comment: The HEXB c.850C>T; p.Arg284Ter variant (rs121907986, ClinVar Variation ID: 3887) is reported in the literature in numerous compound heterozygous individuals who also carry a pathogenic variant in trans and homozygous individuals affected with Sandhoff disease (Abtahi 2022, Mahdieh 2018, Masri 2014, Tavasoli 2018, Zampieri 2009). This variant is only observed on seven alleles in the Genome Aggregation Database (v2.1.1), indicating it is not a common polymorphism. This variant induces an early termination codon and is predicted to result in a truncated protein or mRNA subject to nonsense-mediated decay. Based on available information, this variant is considered to be pathogenic. References: Abtahi R et al. Analysis of the HEXA, HEXB, ARSA, and SMPD1 Genes in 68 Iranian Patients. J Mol Neurosci. 2022 Mar;72(3):555-564. PMID: 34554397. Mahdieh N et al. Genotype, phenotype and in silico pathogenicity analysis of HEXB mutations: Panel based sequencing for differential diagnosis of gangliosidosis. Clin Neurol Neurosurg. 2018 Apr;167:43-53. PMID: 29448188. Masri A et al. Homozygous p.R284* mutation in HEXB gene causing Sandhoff disease with nystagmus. Eur J Paediatr Neurol. 2014 May;18(3):399-403. PMID: 24613245. Tavasoli AR et al. Clinical presentation and outcome in infantile Sandhoff disease: a case series of 25 patients from Iranian neurometabolic bioregistry with five novel mutations. Orphanet J Rare Dis. 2018 Aug 3;13(1):130. PMID: 30075786. Zampieri S et al. Molecular and functional analysis of the HEXB gene in Italian patients affected with Sandhoff disease: identification of six novel alleles. Neurogenetics. 2009 Feb;10(1):49-58. PMID: 18758829.

Labcorp Genetics (formerly Invitae), Labcorp
Classification: Pathogenic for Sandhoff disease. Last evaluated: 2024-06-04. Review status: criteria provided, single submitter. Criteria: Invitae Variant Classification Sherloc (09022015). Collection method: clinical testing. Allele origin: germline.
Comment: This sequence change creates a premature translational stop signal (p.Arg284*) in the HEXB gene. It is expected to result in an absent or disrupted protein product. Loss-of-function variants in HEXB are known to be pathogenic (PMID: 7550345, 18758829). This variant is present in population databases (rs121907986, gnomAD 0.02%). This premature translational stop signal has been observed in individuals with Sandhoff disease (PMID: 8162015, 18758829, 23046579, 24613245, 26582265, 29448188). ClinVar contains an entry for this variant (Variation ID: 3887). For these reasons, this variant has been classified as Pathogenic.

Fulgent Genetics
Classification: Pathogenic for Sandhoff disease. Last evaluated: 2024-03-14. Review status: criteria provided, single submitter. Criteria: ACMG Guidelines, 2015. Collection method: clinical testing. Allele origin: germline.

Foundation for Research in Genetics and Endocrinology, FRIGE's Institute of Human Genetics
Classification: Pathogenic for Sandhoff disease. Last evaluated: 2022-12-26. Review status: criteria provided, single submitter. Criteria: ACMG Guidelines, 2015. Collection method: clinical testing. Allele origin: germline. Inheritance: Autosomal recessive inheritance. Affected: yes. Observed: 1 compound heterozygote.
Comment: A compound heterozygous status for the variant c.850C>T (p.Arg284Ter) in Exon 7 of the HEXB gene was detected. The variants have not been reported in the 1000 genomes database and has a MAF of 0.003% in the gnomAD database. The in-silico prediction is disease causing by Mutation Taster and DANN. In summary, the variant meets our criteria to be classified as pathogenic.

GeneDx
Classification: Pathogenic. Last evaluated: 2021-03-04. Review status: criteria provided, single submitter. Criteria: GeneDx Variant Classification Process June 2021. Collection method: clinical testing. Allele origin: germline. Affected: yes.
Comment: Observed in multiple unrelated individuals with Sandhoff disease (PMID: 8162015, 24613245, 23046579); Reported both with a second pathogenic variant on the opposite allele (in trans) and in the apparently homozygous state in affected individuals, and not observed in homozygous state in controls (PMID: 8162015, 24613245, 23046579); Nonsense variant predicted to result in protein truncation or nonsense mediated decay in a gene for which loss-of-function is a known mechanism of disease; This variant is associated with the following publications: (PMID: 26020229, 21483992, 24613245, 23046579, 1532910, 25525159, 19282776, 23430803, 18758829, 29448188, 30075786, 33083013, 34554397, 8162015)

Revvity Omics, Revvity
Classification: Pathogenic for Sandhoff disease. Last evaluated: 2021-01-15. Review status: criteria provided, single submitter. Criteria: ACMG Guidelines, 2015. Collection method: clinical testing. Allele origin: germline.

Women's Health and Genetics/Laboratory Corporation of America, LabCorp
Classification: Pathogenic for Sandhoff disease. Last evaluated: 2018-01-18. Review status: criteria provided, single submitter. Criteria: LabCorp Variant Classification Summary - May 2015. Collection method: clinical testing. Allele origin: germline.
Comment: Variant summary: The HEXB c.850C>T (p.Arg284X) variant results in a premature termination codon, predicted to cause a truncated or absent HEXB protein due to nonsense mediated decay, which are commonly known mechanisms for disease. This variant was found in 8/277214 control chromosomes at a frequency of 0.0000289, which does not exceed the estimated maximal expected allele frequency of a pathogenic HEXB variant (0.001479). The variant has been identified in numerous patients as both a homozygous and compound heterozygous allele. Functional studies suggest that HEXB enzyme activity is severely affected, though these studies are complicated by the fact that the variant causes HEXB to be heat-sensitive, which is the major method of separating HEXA and HEXB activity. In addition, multiple clinical diagnostic laboratories/reputable databases classified this variant as pathogenic. Taken together, this variant is classified as pathogenic.

Courtagen Diagnostics Laboratory, Courtagen Life Sciences
Classification: Pathogenic for Sandhoff disease, infantile, juvenile, and adult forms. Last evaluated: 2015-03-04. Review status: criteria provided, single submitter. Criteria: Courtagen Life Sciences Classifications. Collection method: clinical testing. Allele origin: germline.

CENTOGENE GmbH and LLC - Guiding Precision Medicine
Classification: Pathogenic for Sandhoff disease. Review status: criteria provided, single submitter. Criteria: ACMG Guidelines, 2015. Collection method: clinical testing. Allele origin: germline. Affected: yes.

NM_000521.4(HEXB):c.850C>T (p.Arg284Ter)

Gene: HEXB (hexosaminidase subunit beta; plus strand). Cytogenetic location: 5q13.3.
Variant type: single nucleotide variant.
Coding change: c.850C>T on transcript NM_000521.4 (MANE Select); coding-DNA position 850, C replaced by T.
Protein change: p.Arg284Ter; replaces arginine 284 with a stop codon.
Molecular consequence: nonsense.
Genome position (GRCh38, 1-based): chr5:74,713,584, C>T. VCF-style: chr5-74713584-C-T. GRCh37 (hg19) VCF-style: chr5-74009409-C-T.
Other names: p.Arg284Ter; c.175C>T, p.Arg59Ter (NM_001292004.2); short protein forms R284*, R59*.
Identifiers: ClinVar variation 3887 (VCV000003887.34), dbSNP rs121907986, ClinGen allele CA116495.